The following is an entry in ClinVar:

NM_000505.4(F12):c.1517del (p.Gly506fs)

Gene: F12 (coagulation factor XII; minus strand). Cytogenetic location: 5q35.3.
Variant type: Deletion.
Coding change: c.1517del on transcript NM_000505.4 (MANE Select); coding-DNA position 1517, one base deleted (G; older notation c.1517delG).
Protein change: p.Gly506fs; shifts the reading frame from glycine 506.
Molecular consequence: frameshift variant.
Genome position (GRCh38, 1-based): chr5:177,403,268, C deleted on the plus strand (G on the coding strand, the reverse complement: F12 is on the minus strand); the first of 4 consecutive C bases (chr5:177,403,268-177,403,271); deleting any one gives the same sequence. VCF-style (leftmost placement, unchanged base first): chr5-177403267-GC-G. GRCh37 (hg19) VCF-style: chr5-176830268-GC-G.
Other names: c.1517delG (NM_000505.3); short protein forms G506fs.
Identifiers: ClinVar variation 2572132 (VCV002572132.7), dbSNP rs41309762, ClinGen allele CA132835188.
Genomic context (GRCh38, chr5:177,403,267, plus strand): 5'-GATCAAAGGTCTCCTCCCCTACCCCTGCCCCTAGCAGTTGTGCCTACCCTCGAACTGGTG[GC>G]CCCAGCCGGCCACCTGGCAGAGCGTGGTCTCGGAGGGTCGCGCGGCGCCGCTTGGCAGGC-3'

ClinVar aggregate classification (germline): Likely pathogenic. Review status: criteria provided, multiple submitters, no conflicts (2 of 4 stars). 2 submissions from 2 submitters: Likely pathogenic (2). Last evaluated 2026-09-01.

Conditions:
Factor XII deficiency disease. Also called: F12 DEFICIENCY; HAF DEFICIENCY; Congenital factor XII deficiency; Reduced factor XII activity. Identifiers: Orphanet 330, MedGen C0015526, MONDO:0009315, OMIM 234000, HP:0004841.

Submissions (2):

CeGaT Center for Human Genetics Tuebingen
Classification: Likely pathogenic. Last evaluated: 2026-09-01. Review status: criteria provided, single submitter. Criteria: CeGaT Center For Human Genetics Tuebingen Variant Classification Criteria Version 2. Collection method: clinical testing. Allele origin: germline. Affected: yes. Observed: 2 variant alleles.
Comment: F12: PVS1:Strong, PM2, PM3:Supporting

ISTH-SSC Genomics in Thrombosis and Hemostasis, KU Leuven, Center for Molecular and Vascular Biology
Classification: Likely pathogenic for Factor XII deficiency disease. Review status: criteria provided, single submitter. Criteria: ACMG Guidelines, 2015. Collection method: clinical testing. Allele origin: germline. Affected: yes. Observed: 1 heterozygote.
Comment: Submitted to the GoldVariant database by Kathleen Freson, Center for Molecular and Vascular Biology